The following is an entry in ClinVar:

ClinVar aggregate classification (germline): Benign/Likely benign. Review status: criteria provided, multiple submitters, no conflicts (2 of 4 stars). 16 submissions from 15 submitters: Benign (10); Likely benign (2). 4 of the submissions do not count toward it. Last evaluated 2026-09-01.

Conditions:
Cardiovascular phenotype. Identifiers: MedGen CN230736.
Cardiomyopathy (CMYO). Also called: Cardiomyopathies. Identifiers: Orphanet 167848, MedGen C0878544, MONDO:0004994, HP:0001638. Inheritance: Various modes of inheritance.
Catecholaminergic polymorphic ventricular tachycardia 1. Also called: RYR2-Related Catecholaminergic Polymorphic Ventricular Tachycardia; VENTRICULAR TACHYCARDIA, STRESS-INDUCED POLYMORPHIC 1; VENTRICULAR TACHYCARDIA, CATECHOLAMINERGIC POLYMORPHIC, 1, WITH OR WITHOUT ATRIAL DYSFUNCTION AND/OR DILATED CARDIOMYOPATHY. Identifiers: Orphanet 3286, MedGen C1631597, MONDO:0011484, OMIM 604772.
Arrhythmogenic right ventricular dysplasia 2. Identifiers: MedGen C1832931.
Catecholaminergic polymorphic ventricular tachycardia (CVPT). Also called: Catecholamine-induced polymorphic ventricular tachycardia. Identifiers: Orphanet 3286, MedGen C5574922, MONDO:0017990.

Allele frequency attached by ClinVar (database versions not stated): gnomAD 0.00117 and 0.00158; ExAC 0.00349; 1000 Genomes Project 30x 0.00109; ESP Exome Variant Server 0.00111; TOPMed 0.00116; gnomAD exomes 0.00208 and 0.00321; 1000 Genomes Project 0.00120.
gnomAD v4.1: 3,325 of 1,611,458 alleles (0.21%); highest among the groups gnomAD compares: South Asian, 1.5%; 30 homozygotes.

Submissions (16):

CeGaT Center for Human Genetics Tuebingen
Classification: Benign. Last evaluated: 2026-09-01. Review status: criteria provided, single submitter. Criteria: CeGaT Center For Human Genetics Tuebingen Variant Classification Criteria Version 2. Collection method: clinical testing. Allele origin: germline. Affected: yes. Observed: 37 variant alleles.
Comment: RYR2: BP4, BP7, BS1, BS2

Labcorp Genetics (formerly Invitae), Labcorp
Classification: Benign for Catecholaminergic polymorphic ventricular tachycardia 1. Last evaluated: 2026-02-03. Review status: criteria provided, single submitter. Criteria: Invitae Variant Classification Sherloc (09022015). Collection method: clinical testing. Allele origin: germline.

Molecular Diagnostic Laboratory for Inherited Cardiovascular Disease, Montreal Heart Institute
Classification: Benign. Last evaluated: 2025-04-09. Review status: criteria provided, single submitter. Criteria: ACMG Guidelines, 2015. Collection method: clinical testing. Allele origin: germline. Affected: no.

All of Us Research Program, National Institutes of Health
Classification: Benign for Catecholaminergic polymorphic ventricular tachycardia. Last evaluated: 2024-02-05. Review status: criteria provided, single submitter. Criteria: ACMG Guidelines, 2015. Collection method: clinical testing. Allele origin: germline. Inheritance: Autosomal dominant inheritance. Observed: 452 variant alleles, 451 heterozygotes, 1 homozygote.
Comment: This study involves interpretation of variants in research participants for the purpose of population health screening. Participant phenotype was not available at the time of variant classification. Additional details can be found in publication PMID: 35346344, PMCID: PMC8962531

Color Diagnostics, LLC DBA Color Health
Classification: Benign for Cardiomyopathy. Last evaluated: 2018-03-08. Review status: criteria provided, single submitter. Criteria: ACMG Guidelines, 2015. Collection method: clinical testing. Allele origin: germline.

Illumina Laboratory Services, Illumina
Classification: Benign for Catecholaminergic polymorphic ventricular tachycardia 1. Last evaluated: 2018-01-13. Review status: criteria provided, single submitter. Criteria: ICSL Variant Classification Criteria 13 December 2019. Collection method: clinical testing. Allele origin: germline.
Comment: This variant was observed in the ICSL laboratory as part of a predisposition screen in an ostensibly healthy population. It had not been previously curated by ICSL or reported in the Human Gene Mutation Database (HGMD: prior to June 1st, 2018), and was therefore a candidate for classification through an automated scoring system. Utilizing variant allele frequency, disease prevalence and penetrance estimates, and inheritance mode, an automated score was calculated to assess if this variant is too frequent to cause the disease. Based on the score and internal cut-off values, a variant classified as benign is not then subjected to further curation. The score for this variant resulted in a classification of benign for this disease.

Illumina Laboratory Services, Illumina
Classification: Likely benign for Catecholaminergic polymorphic ventricular tachycardia 1. Last evaluated: 2018-01-13. Review status: criteria provided, single submitter. Criteria: ICSL Variant Classification Criteria 13 December 2019. Collection method: clinical testing. Allele origin: germline.
Comment: This variant was observed in the ICSL laboratory as part of a predisposition screen in an ostensibly healthy population. It had not been previously curated by ICSL or reported in the Human Gene Mutation Database (HGMD: prior to June 1st, 2018), and was therefore a candidate for classification through an automated scoring system. Utilizing variant allele frequency, disease prevalence and penetrance estimates, and inheritance mode, an automated score was calculated to assess if this variant is too frequent to cause the disease. Based on the score and internal cut-off values, a variant classified as likely benign is not then subjected to further curation. The score for this variant resulted in a classification of likely benign for this disease.

CHEO Genetics Diagnostic Laboratory, Children's Hospital of Eastern Ontario
Classification: Benign for Cardiomyopathy. Last evaluated: 2017-11-28. Review status: criteria provided, single submitter. Criteria: ACMG Guidelines, 2015. Collection method: clinical testing. Allele origin: germline.

Ambry Genetics
Classification: Benign for Cardiovascular phenotype. Last evaluated: 2016-10-03. Review status: criteria provided, single submitter. Criteria: Ambry Variant Classification Scheme 2023. Collection method: clinical testing. Allele origin: germline.

Laboratory for Molecular Medicine, Mass General Brigham Personalized Medicine
Classification: Benign. Last evaluated: 2015-12-04. Review status: criteria provided, single submitter. Criteria: LMM Criteria. Collection method: clinical testing. Allele origin: germline. Observed: 11 variant alleles.
Comment: p.Pro1535Pro in exon 35 of RYR2: This variant is not expected to have clinical s ignificance because it does not alter an amino acid residue and is not located w ithin the splice consensus sequence. It has been identified in 1.6% (257/15602) of South Asian chromosomes by the Exome Aggregation Consortium (ExAC; dbSNP rs201916326).

GeneDx
Classification: Benign. Last evaluated: 2015-03-03. Review status: criteria provided, single submitter. Criteria: GeneDx Variant Classification Process June 2021. Collection method: clinical testing. Allele origin: germline. Affected: yes.

Breakthrough Genomics
Classification: Likely benign. Review status: criteria provided, single submitter. Criteria: ACMG Guidelines, 2015. Collection method: not provided. Allele origin: germline. Inheritance: Autosomal dominant inheritance. Affected: yes.

Clinical Genetics DNA and cytogenetics Diagnostics Lab, Erasmus MC, Erasmus Medical Center
Classification: Likely benign. Review status: no assertion criteria provided. Collection method: clinical testing. Allele origin: germline. Affected: yes. Study: VKGL Data-share Consensus. Not counted in ClinVar's aggregate classification.

Clinical Genetics, Academic Medical Center
Classification: Benign. Review status: no assertion criteria provided. Collection method: clinical testing. Allele origin: germline. Affected: yes. Study: VKGL Data-share Consensus. Not counted in ClinVar's aggregate classification.

Diagnostic Laboratory, Department of Genetics, University Medical Center Groningen
Classification: Likely benign. Review status: no assertion criteria provided. Collection method: clinical testing. Allele origin: germline. Affected: yes. Study: VKGL Data-share Consensus. Not counted in ClinVar's aggregate classification.

Genome Diagnostics Laboratory, University Medical Center Utrecht
Classification: Benign. Review status: no assertion criteria provided. Collection method: clinical testing. Allele origin: germline. Affected: yes. Study: VKGL Data-share Consensus. Not counted in ClinVar's aggregate classification.

NM_001035.3(RYR2):c.4605G>A (p.Pro1535=)

Gene: RYR2 (ryanodine receptor 2; plus strand). Cytogenetic location: 1q43.
Variant type: single nucleotide variant.
Coding change: c.4605G>A on transcript NM_001035.3 (MANE Select); coding-DNA position 4605, G replaced by A.
Protein change: p.Pro1535=; no amino-acid change (proline 1535 retained).
Molecular consequence: synonymous variant.
Genome position (GRCh38, 1-based): chr1:237,602,033, G>A. VCF-style: chr1-237602033-G-A. GRCh37 (hg19) VCF-style: chr1-237765333-G-A.
Identifiers: ClinVar variation 43787 (VCV000043787.98), dbSNP rs201916326, ClinGen allele CA009596.